The following is an entry in ClinVar:

ClinVar aggregate classification (germline): Uncertain significance. Review status: criteria provided, multiple submitters, no conflicts (2 of 4 stars). 2 submissions from 2 submitters: Uncertain significance (2). Last evaluated 2022-08-23.

Conditions:
Autosomal recessive spinocerebellar ataxia 12. Also called: SPINOCEREBELLAR ATAXIA WITH MENTAL RETARDATION AND EPILEPSY. Identifiers: Orphanet 284282, MedGen C3280452, MONDO:0013687, OMIM 614322.
Developmental and epileptic encephalopathy, 1 (DEE1). Also called: X-linked infantile spasms; West's syndrome; Tonic spasms with clustering, arrest of psychomotor development and hypsarrhythmia on EEG; X-Linked Infantile Spasm Syndrome; OHTAHARA SYNDROME, X-LINKED; INFANTILE SPASM SYNDROME, X-LINKED 1. Identifiers: MedGen C3463992, MONDO:0010632, OMIM 308350. Disease mechanism: loss of function.

Allele frequency attached by ClinVar (database versions not stated): ESP Exome Variant Server 0.00016; TOPMed 0.00009.
gnomAD v4.1: 175 of 1,614,000 alleles (0.011%); highest among the groups gnomAD compares: Non-Finnish European, 0.014%; no homozygotes.

Submissions (2):

Labcorp Genetics (formerly Invitae), Labcorp
Classification: Uncertain significance for Developmental and epileptic encephalopathy, 1; Autosomal recessive spinocerebellar ataxia 12. Last evaluated: 2022-08-23. Review status: criteria provided, single submitter. Criteria: Invitae Variant Classification Sherloc (09022015). Collection method: clinical testing. Allele origin: germline.
Comment: This sequence change replaces aspartic acid, which is acidic and polar, with tyrosine, which is neutral and polar, at codon 286 of the WWOX protein (p.Asp286Tyr). This variant is present in population databases (rs374658336, gnomAD 0.01%). This variant has not been reported in the literature in individuals affected with WWOX-related conditions. ClinVar contains an entry for this variant (Variation ID: 390119). Algorithms developed to predict the effect of missense changes on protein structure and function are either unavailable or do not agree on the potential impact of this missense change (SIFT: "Not Available"; PolyPhen-2: "Benign"; Align-GVGD: "Not Available"). In summary, the available evidence is currently insufficient to determine the role of this variant in disease. Therefore, it has been classified as a Variant of Uncertain Significance.

GeneDx
Classification: Uncertain significance. Last evaluated: 2021-01-27. Review status: criteria provided, single submitter. Criteria: GeneDx Variant Classification Process June 2021. Collection method: clinical testing. Allele origin: germline. Affected: yes.
Comment: Not observed at a significant frequency in large population cohorts (Lek et al., 2016); In silico analysis, which includes protein predictors and evolutionary conservation, supports that this variant does not alter protein structure/function; Has not been previously published as pathogenic or benign to our knowledge

NM_016373.4(WWOX):c.856G>T (p.Asp286Tyr)

Gene: WWOX (WW domain containing oxidoreductase; plus strand). Cytogenetic location: 16q23.1.
Variant type: single nucleotide variant.
Coding change: c.856G>T on transcript NM_016373.4 (MANE Select); coding-DNA position 856, G replaced by T.
Protein change: p.Asp286Tyr; replaces aspartic acid 286 with tyrosine.
Molecular consequence: missense variant.
Genome position (GRCh38, 1-based): chr16:78,432,552, G>T. VCF-style: chr16-78432552-G-T. GRCh37 (hg19) VCF-style: chr16-78466449-G-T.
Other names: c.517G>T, p.Asp173Tyr (NM_001291997.2); short protein forms D286Y, D173Y.
Identifiers: ClinVar variation 390119 (VCV000390119.8), dbSNP rs374658336, ClinGen allele CA8183520.
Genomic context (GRCh38, chr16:78,432,552, plus strand): 5'-ACAGATATTAACGACTCCTTGGGAAAACTGGACTTCAGTCGCCTCTCTCCAACAAAAAAC[G>T]ACTATTGGGCGATGCTGGCTTATAACAGGTCCAAGCTCTGCAACATCCTCTTCTCCAACG-3'
Protein context (NP_057457.1, residues 276-296): DFSRLSPTKN[Asp286Tyr]YWAMLAYNRS